The following is an entry in ClinVar:

NM_001271803.2(REEP2):c.388G>A (p.Ala130Thr)

Gene: REEP2 (receptor accessory protein 2; plus strand). Cytogenetic location: 5q31.2.
Variant type: single nucleotide variant.
Coding change: c.388G>A on transcript NM_001271803.2 (MANE Select); coding-DNA position 388, G replaced by A.
Protein change: p.Ala130Thr; replaces alanine 130 with threonine.
Molecular consequence: missense variant. On other transcripts: non-coding transcript variant (2).
Genome position (GRCh38, 1-based): chr5:138,444,838, G>A. VCF-style: chr5-138444838-G-A. GRCh37 (hg19) VCF-style: chr5-137780527-G-A.
Other names: c.388G>A, p.Ala130Thr (NM_016606.4); short protein forms A130T.
Identifiers: ClinVar variation 1405559 (VCV001405559.6), dbSNP rs201267841, ClinGen allele CA3429799.

ClinVar aggregate classification (germline): Uncertain significance (1 of 4 stars; one submission).

Conditions:
Hereditary spastic paraplegia 72 (SPG72A). Also called: Spastic paraplegia 72, autosomal recessive. Identifiers: Orphanet 401849, MedGen C5882669, MONDO:0014282, OMIM 615625.

Allele frequency attached by ClinVar (database versions not stated): gnomAD exomes 0.00009 and 0.00020; gnomAD 0.00011 and 0.00014; TOPMed 0.00012; ExAC 0.00015.
gnomAD v4.1: 297 of 1,613,268 alleles (0.018%); highest among the groups gnomAD compares: Non-Finnish European, 0.024%; 1 homozygote.

Submission:

Labcorp Genetics (formerly Invitae), Labcorp
Classification: Uncertain significance for Hereditary spastic paraplegia 72. Last evaluated: 2024-11-12. Review status: criteria provided, single submitter. Criteria: Invitae Variant Classification Sherloc (09022015). Collection method: clinical testing. Allele origin: germline.
Comment: This sequence change replaces alanine, which is neutral and non-polar, with threonine, which is neutral and polar, at codon 130 of the REEP2 protein (p.Ala130Thr). This variant is present in population databases (rs201267841, gnomAD 0.02%). This variant has not been reported in the literature in individuals affected with REEP2-related conditions. ClinVar contains an entry for this variant (Variation ID: 1405559). An algorithm developed to predict the effect of missense changes on protein structure and function (PolyPhen-2) suggests that this variant is likely to be disruptive. In summary, the available evidence is currently insufficient to determine the role of this variant in disease. Therefore, it has been classified as a Variant of Uncertain Significance.